The following is an entry in ClinVar:

ClinVar aggregate classification (germline): Likely pathogenic (1 of 4 stars; one submission).

Conditions:
Deficiency of galactokinase. Also called: GALACTOSEMIA II; Galactokinase deficiency with cataracts. Identifiers: Orphanet 352, Orphanet 79237, MedGen C0268155, MONDO:0009255, OMIM 230200.

Submission:

Natera, Inc.
Classification: Likely pathogenic for Deficiency of galactokinase. Last evaluated: 2025-04-06. Review status: criteria provided, single submitter. Criteria: Natera Variant Classification Schema (03/2026). Collection method: clinical testing. Allele origin: germline.
Comment: The c.436dup variant in GALK1 is a frameshift variant predicted to shift the reading frame beginning at codon 146 and leads to a stop codon 57 codons downstream. This variant is expected to result in nonsense mediated decay, truncation, or a dysfunctional protein product. This variant is rare in the general population with a frequency below the threshold expected for the associated phenotype(s). Given the available evidence, this variant is classified as Likely Pathogenic.

NM_000154.2(GALK1):c.436dup (p.Glu146fs)

Gene: GALK1 (galactokinase 1; minus strand). Cytogenetic location: 17q25.1.
Variant type: Duplication.
Coding change: c.436dup on transcript NM_000154.2 (MANE Select); coding-DNA position 436, one base duplicated (G; older notation c.436dupG).
Protein change: p.Glu146fs; shifts the reading frame from glutamic acid 146.
Molecular consequence: frameshift variant.
Genome position (GRCh38, 1-based): chr17:75,763,359, C duplicated on the plus strand (G on the coding strand, the reverse complement: GALK1 is on the minus strand); the first of 2 consecutive C bases (chr17:75,763,359-75,763,360); duplicating either gives the same sequence. VCF-style (leftmost placement, unchanged base first): chr17-75763358-T-TC. GRCh37 (hg19) VCF-style: chr17-73759439-T-TC.
Other names: c.436dup, p.Glu146fs (NM_001381985.1); short protein forms E146fs.
Identifiers: ClinVar variation 4068244 (VCV004068244.2).